The following is an entry in ClinVar:

NM_198578.4(LRRK2):c.1360C>A (p.His454Asn)

Gene: LRRK2 (leucine rich repeat kinase 2; plus strand). Cytogenetic location: 12q12.
Variant type: single nucleotide variant.
Coding change: c.1360C>A on transcript NM_198578.4 (MANE Select); coding-DNA position 1360, C replaced by A.
Protein change: p.His454Asn; replaces histidine 454 with asparagine.
Molecular consequence: missense variant.
Genome position (GRCh38, 1-based): chr12:40,257,319, C>A. VCF-style: chr12-40257319-C-A. GRCh37 (hg19) VCF-style: chr12-40651121-C-A.
Other names: short protein forms H454N.
Identifiers: ClinVar variation 2567422 (VCV002567422.2), dbSNP rs2499537927, ClinGen allele CA384410649.

ClinVar aggregate classification (germline): Uncertain significance (1 of 4 stars; one submission).

Conditions:
Inborn genetic diseases. Identifiers: MedGen C0950123, MeSH D030342.

Submission:

Ambry Genetics
Classification: Uncertain significance for Inborn genetic diseases. Last evaluated: 2023-05-25. Review status: criteria provided, single submitter. Criteria: Ambry Variant Classification Scheme 2023. Collection method: clinical testing. Allele origin: germline.
Comment: The p.H454N variant (also known as c.1360C>A), located in coding exon 12 of the LRRK2 gene, results from a C to A substitution at nucleotide position 1360. The histidine at codon 454 is replaced by asparagine, an amino acid with similar properties. This amino acid position is conserved. In addition, this alteration is predicted to be tolerated by in silico analysis. Since supporting evidence is limited at this time, the clinical significance of this alteration remains unclear.